The following is an entry in ClinVar:

ClinVar aggregate classification (germline): Uncertain significance (1 of 4 stars; one submission).

Conditions:
Alpha-methylacyl-CoA racemase deficiency (AMACRD). Also called: AMACR deficiency. Identifiers: Orphanet 79095, MedGen C3280428, MONDO:0013681, OMIM 614307. Disease mechanism: loss of function.

Submission:

Labcorp Genetics (formerly Invitae), Labcorp
Classification: Uncertain significance for Alpha-methylacyl-CoA racemase deficiency. Last evaluated: 2022-04-16. Review status: criteria provided, single submitter. Criteria: Invitae Variant Classification Sherloc (09022015). Collection method: clinical testing. Allele origin: germline.
Comment: This sequence change replaces isoleucine, which is neutral and non-polar, with valine, which is neutral and non-polar, at codon 286 of the AMACR protein (p.Ile286Val). This variant is not present in population databases (gnomAD no frequency). This variant has not been reported in the literature in individuals affected with AMACR-related conditions. Algorithms developed to predict the effect of missense changes on protein structure and function output the following: SIFT: "Deleterious"; PolyPhen-2: "Benign"; Align-GVGD: "Class C25". The valine amino acid residue is found in multiple mammalian species, which suggests that this missense change does not adversely affect protein function. In summary, the available evidence is currently insufficient to determine the role of this variant in disease. Therefore, it has been classified as a Variant of Uncertain Significance.

NM_014324.6(AMACR):c.856A>G (p.Ile286Val)

Genes: C1QTNF3-AMACR (C1QTNF3-AMACR readthrough (NMD candidate); minus strand), AMACR (alpha-methylacyl-CoA racemase; minus strand). Cytogenetic location: 5p13.2.
Variant type: single nucleotide variant.
Coding change: c.856A>G on transcript NM_014324.6 (MANE Select); coding-DNA position 856, A replaced by G.
Protein change: p.Ile286Val; replaces isoleucine 286 with valine.
Molecular consequence: missense variant. On other transcripts: non-coding transcript variant (1), 3 prime UTR variant (1).
Genome position (GRCh38, 1-based): chr5:33,989,386, T>C on the plus strand (A>G on the coding strand, the complement: AMACR is on the minus strand). VCF-style: chr5-33989386-T-C. GRCh37 (hg19) VCF-style: chr5-33989491-T-C.
Other names: c.856A>G, p.Ile286Val (NM_001167595.2); c.*98A>G (NM_203382.3); short protein forms I286V.
Identifiers: ClinVar variation 2097505 (VCV002097505.4), dbSNP rs2478952951, ClinGen allele CA359399158.